The following is an entry in ClinVar:

NM_001378609.3(OTOGL):c.2416G>C (p.Gly806Arg)

Gene: OTOGL (otogelin like; plus strand). Cytogenetic location: 12q21.31.
Variant type: single nucleotide variant.
Coding change: c.2416G>C on transcript NM_001378609.3 (MANE Select); coding-DNA position 2416, G replaced by C.
Protein change: p.Gly806Arg; replaces glycine 806 with arginine.
Molecular consequence: missense variant.
Genome position (GRCh38, 1-based): chr12:80,267,278, G>C. VCF-style: chr12-80267278-G-C. GRCh37 (hg19) VCF-style: chr12-80661058-G-C.
Other names: c.2416G>C, p.Gly806Arg (NM_001368062.3, NM_001378610.3, NM_173591.7); short protein forms G806R.
Identifiers: ClinVar variation 2806600 (VCV002806600.3), dbSNP rs768077529, ClinGen allele CA6700781.
Genomic context (GRCh38, chr12:80,267,278, plus strand): 5'-TTGTATCCTATTTACTTTACTTTTTCTTCGTATAGATTCCACTGCCGTTGTCATTATAGG[G>C]GCAGTGTTTATCAACCTGGAGAGCTCATCCCCACACCCTCGGGCTTATGGTAGGTTTCAA-3'
Protein context (NP_001365538.2, residues 796-816): PIFHCRCHYR[Gly806Arg]SVYQPGELIP

ClinVar aggregate classification (germline): Uncertain significance (1 of 4 stars; one submission).

Allele frequency attached by ClinVar (database versions not stated): ExAC 0.00002.
gnomAD v4.1: 1 of 1,562,984 alleles (0.000064%); highest among the groups gnomAD compares: South Asian, 0.0012%; no homozygotes.

Submission:

Labcorp Genetics (formerly Invitae), Labcorp
Classification: Uncertain significance. Last evaluated: 2025-12-08. Review status: criteria provided, single submitter. Criteria: Invitae Variant Classification Sherloc (09022015). Collection method: clinical testing. Allele origin: germline.
Comment: This sequence change replaces glycine, which is neutral and non-polar, with arginine, which is basic and polar, at codon 797 of the OTOGL protein (p.Gly797Arg). The frequency data for this variant in the population databases is considered unreliable, as metrics indicate poor data quality at this position in the gnomAD database. This variant has not been reported in the literature in individuals affected with OTOGL-related conditions. ClinVar contains an entry for this variant (Variation ID: 2806600). An algorithm developed to predict the effect of missense changes on protein structure and function (PolyPhen-2) suggests that this variant is likely to be disruptive. In summary, the available evidence is currently insufficient to determine the role of this variant in disease. Therefore, it has been classified as a Variant of Uncertain Significance.